The following is an entry in ClinVar:

ClinVar aggregate classification (germline): Likely benign. Review status: criteria provided, multiple submitters, no conflicts (2 of 4 stars). 2 submissions from 2 submitters: Likely benign (2). Last evaluated 2023-11-27.

Allele frequency attached by ClinVar (database versions not stated): gnomAD exomes below 0.00001; TOPMed below 0.00001.
gnomAD v4.1: 3 of 1,614,006 alleles (0.00019%); highest among the groups gnomAD compares: African/African-American, 0.0013%; no homozygotes.

Submissions (2):

Labcorp Genetics (formerly Invitae), Labcorp
Classification: Likely benign. Last evaluated: 2023-11-27. Review status: criteria provided, single submitter. Criteria: Invitae Variant Classification Sherloc (09022015). Collection method: clinical testing. Allele origin: germline.

CeGaT Center for Human Genetics Tuebingen
Classification: Likely benign. Last evaluated: 2022-10-01. Review status: criteria provided, single submitter. Criteria: CeGaT Center For Human Genetics Tuebingen Variant Classification Criteria Version 2. Collection method: clinical testing. Allele origin: germline. Affected: yes. Observed: 1 variant allele.
Comment: MTOR: PM2:Supporting, BP4, BP7

NM_004958.4(MTOR):c.2658T>C (p.Arg886=)

Gene: MTOR (mechanistic target of rapamycin kinase; minus strand). Cytogenetic location: 1p36.22.
Variant type: single nucleotide variant.
Coding change: c.2658T>C on transcript NM_004958.4 (MANE Select); coding-DNA position 2658, T replaced by C.
Protein change: p.Arg886=; no amino-acid change (arginine 886 retained).
Molecular consequence: synonymous variant.
Genome position (GRCh38, 1-based): chr1:11,231,046, A>G on the plus strand (T>C on the coding strand, the complement: MTOR is on the minus strand). VCF-style: chr1-11231046-A-G. GRCh37 (hg19) VCF-style: chr1-11291103-A-G.
Other names: c.2658T>C, p.Arg886= (NM_001386500.1); c.1410T>C, p.Arg470= (NM_001386501.1).
Identifiers: ClinVar variation 2638226 (VCV002638226.27), dbSNP rs1646998381, ClinGen allele CA415919821.
Genomic context (GRCh38, chr1:11,231,046, plus strand): 5'-TATCATGCCAATGTTCACTTTGTGCTTGTAAGGATCCAAAGCCCCTAAAAGCCCTAACAC[A>G]CGGATGGCCTGCGTGGGAAAGGGGAGGGAAAAAAGAAAACATTCATCACAACATGATTAC-3'
Protein context (NP_004949.1, residues 876-896): QNQGTRREAI[Arg886=]VLGLLGALDP